The following is an entry in ClinVar:

ClinVar aggregate classification (germline): Uncertain significance (1 of 4 stars; one submission).

Conditions:
Hereditary cancer-predisposing syndrome. Also called: Hereditary neoplastic syndrome; Neoplastic Syndromes, Hereditary; Tumor predisposition; Hereditary Cancer Syndrome. Identifiers: Orphanet 140162, MedGen C0027672, MeSH D009386, MONDO:0015356.

Submission:

Ambry Genetics
Classification: Uncertain significance for Hereditary cancer-predisposing syndrome. Last evaluated: 2025-01-27. Review status: criteria provided, single submitter. Criteria: Ambry Variant Classification Scheme 2023. Collection method: clinical testing. Allele origin: germline.
Comment: The p.A80S variant (also known as c.238G>T), located in coding exon 1 of the GREM1 gene, results from a G to T substitution at nucleotide position 238. The alanine at codon 80 is replaced by serine, an amino acid with similar properties. This amino acid position is conserved. In addition, the in silico prediction for this alteration is inconclusive. Based on the available evidence, the clinical significance of this variant remains unclear.

NM_013372.7(GREM1):c.238G>T (p.Ala80Ser)

Gene: GREM1 (gremlin 1, DAN family BMP antagonist; plus strand). Cytogenetic location: 15q13.3.
Variant type: single nucleotide variant.
Coding change: c.238G>T on transcript NM_013372.7 (MANE Select); coding-DNA position 238, G replaced by T.
Protein change: p.Ala80Ser; replaces alanine 80 with serine.
Molecular consequence: missense variant.
Genome position (GRCh38, 1-based): chr15:32,730,928, G>T. VCF-style: chr15-32730928-G-T. GRCh37 (hg19) VCF-style: chr15-33023129-G-T.
Other names: c.28G>T, p.Ala10Ser (NM_001191322.2); c.115G>T, p.Ala39Ser (NM_001191323.2); c.238G>T, p.Ala80Ser (NM_001368719.1); short protein forms A80S, A10S, A39S.
Identifiers: ClinVar variation 3855664 (VCV003855664.1).